The following is an entry in ClinVar:

ClinVar aggregate classification (germline): Uncertain significance (1 of 4 stars; one submission).

Conditions:
Anauxetic dysplasia. Identifiers: Orphanet 93347, MedGen C1846796, MONDO:0011773.

Submission:

Labcorp Genetics (formerly Invitae), Labcorp
Classification: Uncertain significance for Anauxetic dysplasia. Last evaluated: 2021-08-30. Review status: criteria provided, single submitter. Criteria: Invitae Variant Classification Sherloc (09022015). Collection method: clinical testing. Allele origin: germline.
Comment: This variant occurs in the RMRP gene, which encodes an RNA molecule that does not result in a protein product. The frequency data for this variant in the population databases is considered unreliable, as metrics indicate insufficient coverage at this position in the ExAC database. This variant has been observed in individual(s) with cartilage-hair hypoplasia (PMID: 25616543). Experimental studies and prediction algorithms are not available or were not evaluated, and the functional significance of this variant is currently unknown. In summary, the available evidence is currently insufficient to determine the role of this variant in disease. Therefore, it has been classified as a Variant of Uncertain Significance.

Literature cited by the submitters: PubMed 25616543.

NC_000009.12:g.35657760C>T

Gene: RMRP (RNA component of mitochondrial RNA processing endoribonuclease; minus strand). Cytogenetic location: 9p13.3.
Variant type: single nucleotide variant.
Genome position: GRCh38 VCF-style: chr9-35657760-C-T. GRCh37 (hg19) VCF-style: chr9-35657757-C-T.
Identifiers: ClinVar variation 1054037 (VCV001054037.6), dbSNP rs2131807882, ClinGen allele CA464450159.
Genomic context (GRCh38, chr9:35,657,760, plus strand): 5'-TGAGCCCGGGGAGGTCGAGGCTGCAGTGAGCCGTGGTCTCGGGAACAAAAAACAGCCGCG[C>T]TGAGAATGAGCCCCGTGTGGTTGGTGCGCGGACACGCACTGCCTGCGTAACTAGAGGGAG-3'